The following is an entry in ClinVar:

ClinVar aggregate classification (germline): Benign (0 of 4 stars; one submission).

Conditions:
ALG5-related disorder. Also called: ALG5-related condition.

Allele frequency attached by ClinVar (database versions not stated): gnomAD exomes 0.00018; ExAC 0.00046; ESP Exome Variant Server 0.00101; 1000 Genomes Project 0.00200; 1000 Genomes Project 30x 0.00203.

Submission:

PreventionGenetics, part of Exact Sciences
Classification: Benign for ALG5-related condition. Last evaluated: 2023-12-13. Review status: no assertion criteria provided. Collection method: clinical testing. Allele origin: germline.
Comment: This variant is classified as benign based on ACMG/AMP sequence variant interpretation guidelines (Richards et al. 2015 PMID: 25741868, with internal and published modifications).

NM_013338.5(ALG5):c.54A>C (p.Ala18=)

Gene: ALG5 (ALG5 dolichyl-phosphate beta-glucosyltransferase; minus strand). Cytogenetic location: 13q13.3.
Variant type: single nucleotide variant.
Coding change: c.54A>C on transcript NM_013338.5 (MANE Select); coding-DNA position 54, A replaced by C.
Protein change: p.Ala18=; no amino-acid change (alanine 18 retained).
Molecular consequence: synonymous variant.
Genome position (GRCh38, 1-based): chr13:36,999,247, T>G on the plus strand (A>C on the coding strand, the complement: ALG5 is on the minus strand). VCF-style: chr13-36999247-T-G. GRCh37 (hg19) VCF-style: chr13-37573384-T-G.
Other names: c.54A>C, p.Ala18= (NM_001142364.1).
Identifiers: ClinVar variation 3051151 (VCV003051151.2), dbSNP rs376568505, ClinGen allele CA6950968.